The following is an entry in ClinVar:

NM_001407.3(CELSR3):c.509C>T (p.Pro170Leu)

Gene: CELSR3 (cadherin EGF LAG seven-pass G-type receptor 3; minus strand). Cytogenetic location: 3p21.31.
Variant type: single nucleotide variant.
Coding change: c.509C>T on transcript NM_001407.3 (MANE Select); coding-DNA position 509, C replaced by T.
Protein change: p.Pro170Leu; replaces proline 170 with leucine.
Molecular consequence: missense variant.
Genome position (GRCh38, 1-based): chr3:48,662,126, G>A on the plus strand (C>T on the coding strand, the complement: CELSR3 is on the minus strand). VCF-style: chr3-48662126-G-A. GRCh37 (hg19) VCF-style: chr3-48699559-G-A.
Other names: short protein forms P170L.
Identifiers: ClinVar variation 3045469 (VCV003045469.2), dbSNP rs572098699, ClinGen allele CA2385608.

ClinVar aggregate classification (germline): Likely benign (0 of 4 stars; one submission).

Conditions:
CELSR3-related disorder. Also called: CELSR3-related condition.

Allele frequency attached by ClinVar (database versions not stated): TOPMed 0.00005; gnomAD exomes 0.00036; ExAC 0.00073; 1000 Genomes Project 30x 0.00141; 1000 Genomes Project 0.00180.
gnomAD v4.1: 561 of 1,613,462 alleles (0.035%); highest among the groups gnomAD compares: South Asian, 0.57%; 8 homozygotes.

Submission:

PreventionGenetics, part of Exact Sciences
Classification: Likely benign for CELSR3-related condition. Last evaluated: 2022-09-13. Review status: no assertion criteria provided. Collection method: clinical testing. Allele origin: germline.
Comment: This variant is classified as likely benign based on ACMG/AMP sequence variant interpretation guidelines (Richards et al. 2015 PMID: 25741868, with internal and published modifications).